The following is an entry in ClinVar:

NM_001085049.3(MRAS):c.500_508dup (p.His169_Asp170insAlaPheHis)

Gene: MRAS (muscle RAS oncogene homolog; plus strand). Cytogenetic location: 3q22.3.
Variant type: Duplication.
Coding change: c.500_508dup on transcript NM_001085049.3 (MANE Select); coding-DNA positions 500 to 508, 9 bases duplicated (CCTTCCATG; older notation c.500_508dupCCTTCCATG).
Protein change: p.His169_Asp170insAlaPheHis.
Molecular consequence: inframe insertion.
Genome position (GRCh38, 1-based): chr3:138,400,586-138,400,594, CCTTCCATG duplicated; duplicating any 9 consecutive bases within chr3:138,400,585-138,400,594 gives the same sequence; the c. name uses the placement nearest the transcript's 3' end. VCF-style (leftmost placement, unchanged base first): chr3-138400584-A-AGCCTTCCAT. GRCh37 (hg19) VCF-style: chr3-138119426-A-AGCCTTCCAT.
Other names: c.500_508dup, p.His169_Asp170insAlaPheHis (NM_001252090.2, NM_012219.4); c.272_280dup, p.His93_Asp94insAlaPheHis (NM_001252091.1, NM_001252092.2, NM_001252093.2).
Identifiers: ClinVar variation 2856949 (VCV002856949.3), dbSNP rs2474164161, ClinGen allele CA1054081469.

ClinVar aggregate classification (germline): Uncertain significance (1 of 4 stars; one submission).

Submission:

Labcorp Genetics (formerly Invitae), Labcorp
Classification: Uncertain significance. Last evaluated: 2023-04-16. Review status: criteria provided, single submitter. Criteria: Invitae Variant Classification Sherloc (09022015). Collection method: clinical testing. Allele origin: germline.
Comment: This variant, c.500_508dup, results in the insertion of 3 amino acid(s) of the MRAS protein (p.Ala167_His169dup), but otherwise preserves the integrity of the reading frame. This variant is not present in population databases (gnomAD no frequency). This variant has not been reported in the literature in individuals affected with MRAS-related conditions. In summary, the available evidence is currently insufficient to determine the role of this variant in disease. Therefore, it has been classified as a Variant of Uncertain Significance.